The following is an entry in ClinVar:

NM_022124.6(CDH23):c.7220A>G (p.Tyr2407Cys)

Gene: CDH23 (cadherin related 23; plus strand). Cytogenetic location: 10q22.1.
Variant type: single nucleotide variant.
Coding change: c.7220A>G on transcript NM_022124.6 (MANE Select); coding-DNA position 7220, A replaced by G.
Protein change: p.Tyr2407Cys; replaces tyrosine 2407 with cysteine.
Molecular consequence: missense variant.
Genome position (GRCh38, 1-based): chr10:71,799,276, A>G. VCF-style: chr10-71799276-A-G. GRCh37 (hg19) VCF-style: chr10-73559033-A-G.
Other names: c.500A>G, p.Tyr167Cys (NM_001171933.1, NM_001171934.1); short protein forms Y167C, Y2407C.
Identifiers: ClinVar variation 1980774 (VCV001980774.4), dbSNP rs763148706, ClinGen allele CA5546278.

ClinVar aggregate classification (germline): Uncertain significance (1 of 4 stars; one submission).

Allele frequency attached by ClinVar (database versions not stated): ExAC 0.00001.
gnomAD v4.1: 1 of 1,613,970 alleles (0.000062%); highest among the groups gnomAD compares: Non-Finnish European, 0.000085%; no homozygotes.

Submission:

Labcorp Genetics (formerly Invitae), Labcorp
Classification: Uncertain significance. Last evaluated: 2022-11-22. Review status: criteria provided, single submitter. Criteria: Invitae Variant Classification Sherloc (09022015). Collection method: clinical testing. Allele origin: germline.
Comment: This sequence change replaces tyrosine, which is neutral and polar, with cysteine, which is neutral and slightly polar, at codon 2407 of the CDH23 protein (p.Tyr2407Cys). This variant is present in population databases (rs763148706, gnomAD 0.0009%). This variant has not been reported in the literature in individuals affected with CDH23-related conditions. Advanced modeling of protein sequence and biophysical properties (such as structural, functional, and spatial information, amino acid conservation, physicochemical variation, residue mobility, and thermodynamic stability) has been performed at Invitae for this missense variant, however the output from this modeling did not meet the statistical confidence thresholds required to predict the impact of this variant on CDH23 protein function. In summary, the available evidence is currently insufficient to determine the role of this variant in disease. Therefore, it has been classified as a Variant of Uncertain Significance.